The following is an entry in ClinVar:

NM_001042424.3(NSD2):c.2675+11T>C

Gene: NSD2 (nuclear receptor binding SET domain protein 2; plus strand). Cytogenetic location: 4p16.3.
Variant type: single nucleotide variant.
Coding change: c.2675+11T>C on transcript NM_001042424.3 (MANE Select); 11 bases into the intron after coding-DNA position 2675, T replaced by C.
Molecular consequence: intron variant.
Genome position (GRCh38, 1-based): chr4:1,955,860, T>C. VCF-style: chr4-1955860-T-C. GRCh37 (hg19) VCF-style: chr4-1957587-T-C.
Other names: c.2675+11T>C (NM_133330.3, NM_133331.3, NM_133335.4).
Identifiers: ClinVar variation 2958214 (VCV002958214.3), dbSNP rs1427953257, ClinGen allele CA792752771.
Genomic context (GRCh38, chr4:1,955,860, plus strand): 5'-AAGAAGCTGCACTTCCAGGATATCATTTGGGTGAAACTTGGGAACTACAGGTGTGAGACA[T>C]AGAATCGTATGCTTTTATGTCTTTTCTGTTCACATGTGTTCGCTTTACAGTACTTAAAGT-3'

ClinVar aggregate classification (germline): Uncertain significance (1 of 4 stars; one submission).

Allele frequency attached by ClinVar (database versions not stated): gnomAD exomes 0.00001; TOPMed 0.00001; gnomAD 0.00002.
gnomAD v4.1: 10 of 1,612,868 alleles (0.00062%); highest among the groups gnomAD compares: Non-Finnish European, 0.00085%; no homozygotes.

Submission:

Labcorp Genetics (formerly Invitae), Labcorp
Classification: Uncertain significance. Last evaluated: 2023-08-29. Review status: criteria provided, single submitter. Criteria: Invitae Variant Classification Sherloc (09022015). Collection method: clinical testing. Allele origin: germline.
Comment: In summary, the available evidence is currently insufficient to determine the role of this variant in disease. Therefore, it has been classified as a Variant of Uncertain Significance. Algorithms developed to predict the effect of sequence changes on RNA splicing suggest that this variant may create or strengthen a splice site. This variant has not been reported in the literature in individuals affected with WHSC1-related conditions. This variant is not present in population databases (gnomAD no frequency). This sequence change falls in intron 16 of the WHSC1 gene. It does not directly change the encoded amino acid sequence of the WHSC1 protein.